The following is an entry in ClinVar:

NM_002968.3(SALL1):c.935G>C (p.Gly312Ala)

Gene: SALL1 (spalt like transcription factor 1; minus strand). Cytogenetic location: 16q12.1.
Variant type: single nucleotide variant.
Coding change: c.935G>C on transcript NM_002968.3 (MANE Select); coding-DNA position 935, G replaced by C.
Protein change: p.Gly312Ala; replaces glycine 312 with alanine.
Molecular consequence: missense variant.
Genome position (GRCh38, 1-based): chr16:51,141,287, C>G on the plus strand (G>C on the coding strand, the complement: SALL1 is on the minus strand). VCF-style: chr16-51141287-C-G. GRCh37 (hg19) VCF-style: chr16-51175198-C-G.
Other names: c.644G>C, p.Gly215Ala (NM_001127892.2); short protein forms G215A, G312A.
Identifiers: ClinVar variation 4739458 (VCV004739458.1).
Genomic context (GRCh38, chr16:51,141,287, plus strand): 5'-GGAATGATGGTGTTGCCAGAACTGCTCTGAGGTAGCTGGATTGGGGGTAGCTGTTTCACA[C>G]CACTAATGCTGGCAGATTGGCTGGCGAGGCTCTGTGCCAATCCAGCTGCTGCTGCCAGCT-3'
Protein context (NP_002959.2, residues 302-322): SLASQSASIS[Gly312Ala]VKQLPPIQLP

ClinVar aggregate classification (germline): Uncertain significance (1 of 4 stars; one submission).

Conditions:
Townes syndrome (TBS). Also called: Townes-Brocks syndrome. Identifiers: Orphanet 857, MedGen C0265246, MeSH C536974, MONDO:0007142.

Submission:

Labcorp Genetics (formerly Invitae), Labcorp
Classification: Uncertain significance for Townes syndrome. Last evaluated: 2025-02-11. Review status: criteria provided, single submitter. Criteria: Invitae Variant Classification Sherloc (09022015). Collection method: clinical testing. Allele origin: germline.
Comment: This sequence change replaces glycine, which is neutral and non-polar, with alanine, which is neutral and non-polar, at codon 312 of the SALL1 protein (p.Gly312Ala). This variant is not present in population databases (gnomAD no frequency). This variant has not been reported in the literature in individuals affected with SALL1-related conditions. Invitae Evidence Modeling of protein sequence and biophysical properties (such as structural, functional, and spatial information, amino acid conservation, physicochemical variation, residue mobility, and thermodynamic stability) indicates that this missense variant is not expected to disrupt SALL1 protein function with a negative predictive value of 80%. In summary, the available evidence is currently insufficient to determine the role of this variant in disease. Therefore, it has been classified as a Variant of Uncertain Significance.